The following is an entry in ClinVar:

ClinVar aggregate classification (germline): Uncertain significance. Review status: criteria provided, multiple submitters, no conflicts (2 of 4 stars). 2 submissions from 2 submitters: Uncertain significance (2). Last evaluated 2025-04-25.

Conditions:
Leukocyte adhesion deficiency 3. Also called: INTEGRIN ACTIVATION DEFICIENCY DISEASE; LEUKOCYTE ADHESION DEFICIENCY 1 VARIANT; Leukocyte adhesion deficiency, type III. Identifiers: Orphanet 2968, Orphanet 99844, MedGen C2748536, MONDO:0013016, OMIM 612840.
Inborn genetic diseases. Identifiers: MedGen C0950123, MeSH D030342.

Allele frequency attached by ClinVar (database versions not stated): gnomAD exomes 0.00001 and below 0.00001; TOPMed 0.00005; ESP Exome Variant Server 0.00008; ExAC 0.00002.
gnomAD v4.1: 7 of 1,614,166 alleles (0.00043%); highest among the groups gnomAD compares: East Asian, 0.0022%; no homozygotes.

Submissions (2):

Ambry Genetics
Classification: Uncertain significance for Inborn genetic diseases. Last evaluated: 2025-04-25. Review status: criteria provided, single submitter. Criteria: Ambry Variant Classification Scheme 2023. Collection method: clinical testing. Allele origin: germline.

Labcorp Genetics (formerly Invitae), Labcorp
Classification: Uncertain significance for Leukocyte adhesion deficiency 3. Last evaluated: 2022-07-26. Review status: criteria provided, single submitter. Criteria: Invitae Variant Classification Sherloc (09022015). Collection method: clinical testing. Allele origin: germline.
Comment: This sequence change replaces aspartic acid, which is acidic and polar, with asparagine, which is neutral and polar, at codon 88 of the FERMT3 protein (p.Asp88Asn). This variant is present in population databases (rs370418382, gnomAD 0.007%). This variant has not been reported in the literature in individuals affected with FERMT3-related conditions. ClinVar contains an entry for this variant (Variation ID: 1011998). Algorithms developed to predict the effect of missense changes on protein structure and function are either unavailable or do not agree on the potential impact of this missense change (SIFT: "Deleterious"; PolyPhen-2: "Benign"; Align-GVGD: "Class C0"). In summary, the available evidence is currently insufficient to determine the role of this variant in disease. Therefore, it has been classified as a Variant of Uncertain Significance.

NM_031471.6(FERMT3):c.262G>A (p.Asp88Asn)

Gene: FERMT3 (FERM domain containing kindlin 3; plus strand). Cytogenetic location: 11q13.1.
Variant type: single nucleotide variant.
Coding change: c.262G>A on transcript NM_031471.6 (MANE Select); coding-DNA position 262, G replaced by A.
Protein change: p.Asp88Asn; replaces aspartic acid 88 with asparagine.
Molecular consequence: missense variant. On other transcripts: 5 prime UTR variant (2).
Genome position (GRCh38, 1-based): chr11:64,210,712, G>A. VCF-style: chr11-64210712-G-A. GRCh37 (hg19) VCF-style: chr11-63978184-G-A.
Other names: c.262G>A, p.Asp88Asn (NM_001382361.1, NM_001382362.1, NM_001382448.1 and 1 more transcripts); c.-279G>A (NM_001382363.1, NM_001382364.1); c.262G>A (NM_031471.5); short protein forms D88N.
Identifiers: ClinVar variation 1011998 (VCV001011998.8), dbSNP rs370418382, ClinGen allele CA6068693.